The following is an entry in ClinVar:

NM_000321.3(RB1):c.2450A>G (p.Glu817Gly)

Gene: RB1 (RB transcriptional corepressor 1; plus strand). Cytogenetic location: 13q14.2.
Variant type: single nucleotide variant.
Coding change: c.2450A>G on transcript NM_000321.3 (MANE Select); coding-DNA position 2450, A replaced by G.
Protein change: p.Glu817Gly; replaces glutamic acid 817 with glycine.
Molecular consequence: missense variant.
Genome position (GRCh38, 1-based): chr13:48,465,329, A>G. VCF-style: chr13-48465329-A-G. GRCh37 (hg19) VCF-style: chr13-49039465-A-G.
Other names: short protein forms E817G.
Identifiers: ClinVar variation 1004691 (VCV001004691.6), dbSNP rs1949433558, ClinGen allele CA388168011.

ClinVar aggregate classification (germline): Uncertain significance (1 of 4 stars; one submission).

Conditions:
Retinoblastoma (RB1). Also called: RETINOBLASTOMA, SOMATIC. Identifiers: Orphanet 790, MedGen C0035335, MeSH D012175, MONDO:0008380, OMIM 180200, HP:0009919. Disease mechanism: loss of function. Inheritance: Both sporadic and heritable forms are tested..

Submission:

Labcorp Genetics (formerly Invitae), Labcorp
Classification: Uncertain significance for Retinoblastoma. Last evaluated: 2023-05-07. Review status: criteria provided, single submitter. Criteria: Invitae Variant Classification Sherloc (09022015). Collection method: clinical testing. Allele origin: germline.
Comment: In summary, the available evidence is currently insufficient to determine the role of this variant in disease. Therefore, it has been classified as a Variant of Uncertain Significance. Advanced modeling of protein sequence and biophysical properties (such as structural, functional, and spatial information, amino acid conservation, physicochemical variation, residue mobility, and thermodynamic stability) has been performed at Invitae for this missense variant, however the output from this modeling did not meet the statistical confidence thresholds required to predict the impact of this variant on RB1 protein function. ClinVar contains an entry for this variant (Variation ID: 1004691). This variant has not been reported in the literature in individuals affected with RB1-related conditions. This variant is not present in population databases (gnomAD no frequency). This sequence change replaces glutamic acid, which is acidic and polar, with glycine, which is neutral and non-polar, at codon 817 of the RB1 protein (p.Glu817Gly).